The following is an entry in ClinVar:

ClinVar aggregate classification (germline): Uncertain significance (1 of 4 stars; one submission).

gnomAD v4.1: 1 of 1,612,906 alleles (0.000062%); highest among the groups gnomAD compares: Non-Finnish European, 0.000085%; no homozygotes.

Submission:

Ambry Genetics
Classification: Uncertain significance. Last evaluated: 2025-03-25. Review status: criteria provided, single submitter. Criteria: Ambry Variant Classification Scheme 2023. Collection method: clinical testing. Allele origin: germline.
Comment: The p.Y1221C variant (also known as c.3662A>G), located in coding exon 33 of the KIF1B gene, results from an A to G substitution at nucleotide position 3662. The tyrosine at codon 1221 is replaced by cysteine, an amino acid with highly dissimilar properties. This amino acid position is conserved. In addition, this alteration is predicted to be deleterious by in silico analysis. Based on the available evidence, the clinical significance of this variant remains unclear.

NM_001365951.3(KIF1B):c.3800A>G (p.Tyr1267Cys)

Gene: KIF1B (kinesin family member 1B; plus strand). Cytogenetic location: 1p36.22.
Variant type: single nucleotide variant.
Coding change: c.3800A>G on transcript NM_001365951.3 (MANE Select); coding-DNA position 3800, A replaced by G.
Protein change: p.Tyr1267Cys; replaces tyrosine 1267 with cysteine.
Molecular consequence: missense variant.
Genome position (GRCh38, 1-based): chr1:10,347,763, A>G. VCF-style: chr1-10347763-A-G. GRCh37 (hg19) VCF-style: chr1-10407821-A-G.
Other names: c.3800A>G, p.Tyr1267Cys (NM_001365952.1); c.3662A>G, p.Tyr1221Cys (NM_015074.3); short protein forms Y1267C, Y1221C.
Identifiers: ClinVar variation 4043079 (VCV004043079.1).
Genomic context (GRCh38, chr1:10,347,763, plus strand): 5'-GCTAAGCCTTGCAGATGAAGTAGCACTTAGTTTTTTCTTTTGCGTTTCTATTTTTTAGGT[A>G]TATCCCAGCTGTGGTTGACCACACAGCAGGCTTGCCTTGCCAGGGGACATTTTTGCTTCA-3'
Protein context (NP_001352880.1, residues 1257-1277): EISELEPTGE[Tyr1267Cys]IPAVVDHTAG